The following is an entry in ClinVar:

ClinVar aggregate classification (germline): Likely pathogenic (1 of 4 stars; one submission).

Conditions:
Arthrogryposis, distal, type 1A. Also called: ARTHROGRYPOSIS MULTIPLEX CONGENITA, DISTAL, TYPE I. Identifiers: Orphanet 1146, MedGen C6022280, MONDO:0007157, OMIM 108120.

Submission:

Labcorp Genetics (formerly Invitae), Labcorp
Classification: Likely pathogenic for Arthrogryposis, distal, type 1A. Last evaluated: 2022-10-19. Review status: criteria provided, single submitter. Criteria: Invitae Variant Classification Sherloc (09022015). Collection method: clinical testing. Allele origin: germline.
Comment: In summary, the currently available evidence indicates that the variant is pathogenic, but additional data are needed to prove that conclusively. Therefore, this variant has been classified as Likely Pathogenic. Algorithms developed to predict the effect of missense changes on protein structure and function are either unavailable or do not agree on the potential impact of this missense change (SIFT: "Deleterious"; PolyPhen-2: "Possibly Damaging"; Align-GVGD: "Class C0"). ClinVar contains an entry for this variant (Variation ID: 848549). This missense change has been observed in individual(s) with clinical features of autosomal dominant congenital myopathy (PMID: 22980765, 24692096; Invitae). In at least one individual the variant was observed to be de novo. This variant is not present in population databases (gnomAD no frequency). This sequence change replaces aspartic acid, which is acidic and polar, with valine, which is neutral and non-polar, at codon 14 of the TPM2 protein (p.Asp14Val).

Literature cited by the submitters: PubMed 22980765; PubMed 24692096.

NM_003289.4(TPM2):c.41A>T (p.Asp14Val)

Gene: TPM2 (tropomyosin 2; minus strand). Cytogenetic location: 9p13.3.
Variant type: single nucleotide variant.
Coding change: c.41A>T on transcript NM_003289.4 (MANE Select); coding-DNA position 41, A replaced by T.
Protein change: p.Asp14Val; replaces aspartic acid 14 with valine.
Molecular consequence: missense variant.
Genome position (GRCh38, 1-based): chr9:35,689,777, T>A on the plus strand (A>T on the coding strand, the complement: TPM2 is on the minus strand). VCF-style: chr9-35689777-T-A. GRCh37 (hg19) VCF-style: chr9-35689774-T-A.
Other names: c.41A>T, p.Asp14Val (NM_001301226.2, NM_001301227.2, NM_213674.1); short protein forms D14V.
Identifiers: ClinVar variation 848549 (VCV000848549.9), dbSNP rs1825151618, ClinGen allele CA373370250.